The following is an entry in ClinVar:

NM_207361.6(FREM2):c.3383G>C (p.Arg1128Thr)

Gene: FREM2 (FRAS1 related extracellular matrix 2; plus strand). Cytogenetic location: 13q13.3.
Variant type: single nucleotide variant.
Coding change: c.3383G>C on transcript NM_207361.6 (MANE Select); coding-DNA position 3383, G replaced by C.
Protein change: p.Arg1128Thr; replaces arginine 1128 with threonine.
Molecular consequence: missense variant.
Genome position (GRCh38, 1-based): chr13:38,690,727, G>C. VCF-style: chr13-38690727-G-C. GRCh37 (hg19) VCF-style: chr13-39264864-G-C.
Other names: short protein forms R1128T.
Identifiers: ClinVar variation 4780555 (VCV004780555.1).

ClinVar aggregate classification (germline): Uncertain significance (1 of 4 stars; one submission).

gnomAD v4.1: 1 of 1,614,100 alleles (0.000062%); highest among the groups gnomAD compares: Non-Finnish European, 0.000085%; no homozygotes.

Submission:

Labcorp Genetics (formerly Invitae), Labcorp
Classification: Uncertain significance. Last evaluated: 2026-01-05. Review status: criteria provided, single submitter. Criteria: Invitae Variant Classification Sherloc (09022015). Collection method: clinical testing. Allele origin: germline.
Comment: This sequence change replaces arginine, which is basic and polar, with threonine, which is neutral and polar, at codon 1128 of the FREM2 protein (p.Arg1128Thr). This variant is not present in population databases (gnomAD no frequency). This variant has not been reported in the literature in individuals affected with FREM2-related conditions. Invitae Evidence Modeling of protein sequence and biophysical properties (such as structural, functional, and spatial information, amino acid conservation, physicochemical variation, residue mobility, and thermodynamic stability) indicates that this missense variant is expected to disrupt FREM2 protein function with a positive predictive value of 80%. In summary, the available evidence is currently insufficient to determine the role of this variant in disease. Therefore, it has been classified as a Variant of Uncertain Significance.